The following is an entry in ClinVar:

ClinVar aggregate classification (germline): Likely pathogenic (1 of 4 stars; one submission).

Conditions:
Neurofibromatosis, type 1 (NF1). Also called: VON RECKLINGHAUSEN DISEASE; Neurofibromatosis, type I; NEUROFIBROMATOSIS, TYPE I, SOMATIC; Peripheral type neurofibromatosis. Identifiers: Orphanet 636, MedGen C0027831, MONDO:0018975, OMIM 162200. Disease mechanism: loss of function.

Submission:

Labcorp Genetics (formerly Invitae), Labcorp
Classification: Likely pathogenic for Neurofibromatosis, type 1. Last evaluated: 2024-05-27. Review status: criteria provided, single submitter. Criteria: Invitae Variant Classification Sherloc (09022015). Collection method: clinical testing. Allele origin: germline.
Comment: This sequence change replaces aspartic acid, which is acidic and polar, with valine, which is neutral and non-polar, at codon 1623 of the NF1 protein (p.Asp1623Val). This variant is not present in population databases (gnomAD no frequency). This missense change has been observed in individual(s) with neurofibromatosis type 1 (Invitae). Advanced modeling of protein sequence and biophysical properties (such as structural, functional, and spatial information, amino acid conservation, physicochemical variation, residue mobility, and thermodynamic stability) performed at Invitae indicates that this missense variant is expected to disrupt NF1 protein function with a positive predictive value of 95%. This variant disrupts the p.Asp1623 amino acid residue in NF1. Other variant(s) that disrupt this residue have been determined to be pathogenic (PMID: 23913538; Invitae). This suggests that this residue is clinically significant, and that variants that disrupt this residue are likely to be disease-causing. In summary, the currently available evidence indicates that the variant is pathogenic, but additional data are needed to prove that conclusively. Therefore, this variant has been classified as Likely Pathogenic.

Literature cited by the submitters: PubMed 23913538.

NM_001042492.3(NF1):c.4931A>T (p.Asp1644Val)

Gene: NF1 (neurofibromin 1; plus strand). Cytogenetic location: 17q11.2.
Variant type: single nucleotide variant.
Coding change: c.4931A>T on transcript NM_001042492.3 (MANE Select); coding-DNA position 4931, A replaced by T.
Protein change: p.Asp1644Val; replaces aspartic acid 1644 with valine.
Molecular consequence: missense variant.
Genome position (GRCh38, 1-based): chr17:31,325,915, A>T. VCF-style: chr17-31325915-A-T. GRCh37 (hg19) VCF-style: chr17-29652933-A-T.
Other names: c.4868A>T, p.Asp1623Val (NM_000267.4); short protein forms D1623V, D1644V.
Identifiers: ClinVar variation 2765159 (VCV002765159.3), dbSNP rs2069327949, ClinGen allele CA399007136.